The following is an entry in ClinVar:

NM_002801.4(PSMB10):c.448T>A (p.Tyr150Asn)

Gene: PSMB10 (proteasome 20S subunit beta 10; minus strand). Cytogenetic location: 16q22.1.
Variant type: single nucleotide variant.
Coding change: c.448T>A on transcript NM_002801.4 (MANE Select); coding-DNA position 448, T replaced by A.
Protein change: p.Tyr150Asn; replaces tyrosine 150 with asparagine.
Molecular consequence: missense variant.
Genome position (GRCh38, 1-based): chr16:67,935,633, A>T on the plus strand (T>A on the coding strand, the complement: PSMB10 is on the minus strand). VCF-style: chr16-67935633-A-T. GRCh37 (hg19) VCF-style: chr16-67969536-A-T.
Other names: short protein forms Y150N.
Identifiers: ClinVar variation 4853465 (VCV004853465.1).
Genomic context (GRCh38, chr16:67,935,633, plus strand): 5'-AGCGCTCACCCAGGGCTGTGAAGGGCAGACGGCTGTAGGAGCCATGGGGATGCACACCGT[A>T]GAGCTGCGGTCCAGTCAGGTCTACGCCGCCCACGATCAGCGATGCACCCACGTGGCCCTG-3'
Protein context (NP_002792.1, residues 140-160): GGVDLTGPQL[Tyr150Asn]GVHPHGSYSR

ClinVar aggregate classification (germline): Uncertain significance (1 of 4 stars; one submission).

Submission:

Women's Health and Genetics/Laboratory Corporation of America, LabCorp
Classification: Uncertain significance. Last evaluated: 2026-05-07. Review status: criteria provided, single submitter. Criteria: LabCorp Variant Classification Summary - May 2015. Collection method: clinical testing. Allele origin: germline.
Comment: Variant summary: PSMB10 c.448T>A (p.Tyr150Asn) results in a non-conservative amino acid change in the encoded protein sequence. Algorithms developed to predict the effect of missense changes on protein structure and function are either unavailable or do not agree on the potential impact of this missense change. The variant was absent in 251354 control chromosomes. The available data on variant occurrences in the general population are insufficient to allow any conclusion about variant significance. To our knowledge, no occurrence of c.448T>A in individuals affected with PSMB10-related conditions and no experimental evidence demonstrating its impact on protein function have been reported. No submitters have cited clinical-significance assessments for this variant to ClinVar. Based on the evidence outlined above, the variant was classified as uncertain significance.